The following is an entry in ClinVar:

ClinVar aggregate classification (germline): Uncertain significance (1 of 4 stars; one submission).

Allele frequency attached by ClinVar (database versions not stated): gnomAD exomes 0.00001 and 0.00002; ExAC 0.00002; gnomAD 0.00003; TOPMed 0.00003; ESP Exome Variant Server 0.00008.
gnomAD v4.1: 12 of 1,613,838 alleles (0.00074%); highest among the groups gnomAD compares: East Asian, 0.0067%; no homozygotes.

Submission:

Labcorp Genetics (formerly Invitae), Labcorp
Classification: Uncertain significance. Last evaluated: 2021-10-20. Review status: criteria provided, single submitter. Criteria: Invitae Variant Classification Sherloc (09022015). Collection method: clinical testing. Allele origin: germline.
Comment: This sequence change replaces arginine with histidine at codon 69 of the PTPN23 protein (p.Arg69His). The arginine residue is moderately conserved and there is a small physicochemical difference between arginine and histidine. This variant is present in population databases (rs367969329, ExAC 0.01%). This variant has not been reported in the literature in individuals affected with PTPN23-related conditions. Algorithms developed to predict the effect of missense changes on protein structure and function are either unavailable or do not agree on the potential impact of this missense change (SIFT: "Deleterious"; PolyPhen-2: "Not Available"; Align-GVGD: "Class C0"). In summary, the available evidence is currently insufficient to determine the role of this variant in disease. Therefore, it has been classified as a Variant of Uncertain Significance.

NM_015466.4(PTPN23):c.206G>A (p.Arg69His)

Gene: PTPN23 (protein tyrosine phosphatase non-receptor type 23; plus strand). Cytogenetic location: 3p21.31.
Variant type: single nucleotide variant.
Coding change: c.206G>A on transcript NM_015466.4 (MANE Select); coding-DNA position 206, G replaced by A.
Protein change: p.Arg69His; replaces arginine 69 with histidine.
Molecular consequence: missense variant. On other transcripts: intron variant (1).
Genome position (GRCh38, 1-based): chr3:47,404,698, G>A. VCF-style: chr3-47404698-G-A. GRCh37 (hg19) VCF-style: chr3-47446188-G-A.
Other names: c.-91-307G>A (NM_001304482.2); short protein forms R69H.
Identifiers: ClinVar variation 1391202 (VCV001391202.3), dbSNP rs367969329, ClinGen allele CA2365246.